The following is an entry in ClinVar:

NC_000001.10:g.(?_46654381)_(46659607_?)dup

Gene: POMGNT1 (protein O-linked mannose N-acetylglucosaminyltransferase 1 (beta 1,2-); minus strand). Cytogenetic location: 1p34.1.
Variant type: Duplication.
Identifiers: ClinVar variation 2426344 (VCV002426344.5).

ClinVar aggregate classification (germline): Uncertain significance (1 of 4 stars; one submission).

Conditions:
Muscular dystrophy-dystroglycanopathy (congenital with impaired intellectual development), type B, 3. Also called: Muscular dystrophy-dystroglycanopathy (congenital with intellectual disability), type B3; MUSCULAR DYSTROPHY, CONGENITAL, POMGNT1-RELATED. Identifiers: MedGen C3150412, MONDO:0013155, OMIM 613151.
Autosomal recessive limb-girdle muscular dystrophy type 2O. Also called: Limb-Girdle Muscular Dystrophy Type 3C; MUSCULAR DYSTROPHY-DYSTROGLYCANOPATHY (LIMB-GIRDLE), TYPE C, 3; MUSCULAR DYSTROPHY-DYSTROGLYCANOPATHY, LIMB-GIRDLE, POMGNT1-RELATED. Identifiers: Orphanet 206564, MedGen C3150417, MONDO:0013161, OMIM 613157.

Submission:

Labcorp Genetics (formerly Invitae), Labcorp
Classification: Uncertain significance for Autosomal recessive limb-girdle muscular dystrophy type 2O; Muscular dystrophy-dystroglycanopathy (congenital with impaired intellectual development), type B, 3. Last evaluated: 2022-03-09. Review status: criteria provided, single submitter. Criteria: Invitae Variant Classification Sherloc (09022015). Collection method: clinical testing. Allele origin: germline.
Comment: This variant results in a copy number gain of the genomic region encompassing exon(s) 10-22 of the POMGNT1 gene. This region includes the termination codon of the gene. This copy number gain extends beyond the assayed region for this gene and therefore may encompass additional genes. As the precise location of this event is unknown, it may be in tandem or it may be located elsewhere in the genome. This variant has not been reported in the literature in individuals affected with POMGNT1-related conditions. In summary, the available evidence is currently insufficient to determine the role of this variant in disease. Therefore, it has been classified as a Variant of Uncertain Significance.